The following is an entry in ClinVar:

ClinVar aggregate classification (germline): Benign/Likely benign. Review status: criteria provided, multiple submitters, no conflicts (2 of 4 stars). 6 submissions from 6 submitters: Benign (2); Likely benign (3). 1 of the submissions does not count toward it. Last evaluated 2026-04-27.

Conditions:
CACNA1A-related disorder. Also called: CACNA1A-related condition.
Episodic ataxia type 2 (EA2). Also called: ATAXIA, EPISODIC, WITH NYSTAGMUS; ATAXIA, FAMILIAL PAROXYSMAL; CEREBELLAR ATAXIA, PAROXYSMAL, ACETAZOLAMIDE-RESPONSIVE; CEREBELLOPATHY, HEREDITARY PAROXYSMAL; ACETAZOLAMIDE-RESPONSIVE HEREDITARY PAROXYSMAL CEREBELLAR ATAXIA; EPISODIC ATAXIA, NYSTAGMUS-ASSOCIATED. Identifiers: Orphanet 97, MedGen C1720416, MONDO:0007163, OMIM 108500.
Developmental and epileptic encephalopathy, 42 (DEE42A). Also called: Epileptic encephalopathy, early infantile, 42; EPILEPTIC ENCEPHALOPATHY, EARLY INFANTILE, 42A; DEVELOPMENTAL AND EPILEPTIC ENCEPHALOPATHY 42A. Identifiers: MedGen C4310716, MONDO:0014917, OMIM 617106.

Allele frequency attached by ClinVar (database versions not stated): gnomAD 0.00003; TOPMed 0.00009; gnomAD exomes 0.00015; 1000 Genomes Project 30x 0.00016; 1000 Genomes Project 0.00020; ExAC 0.00023.
gnomAD v4.1: 85 of 1,609,012 alleles (0.0053%); highest among the groups gnomAD compares: East Asian, 0.17%; no homozygotes.

Submissions (6):

Women's Health and Genetics/Laboratory Corporation of America, LabCorp
Classification: Likely benign. Last evaluated: 2026-04-27. Review status: criteria provided, single submitter. Criteria: LabCorp Variant Classification Summary - May 2015. Collection method: clinical testing. Allele origin: germline.

Labcorp Genetics (formerly Invitae), Labcorp
Classification: Benign for Developmental and epileptic encephalopathy, 42; Episodic ataxia type 2. Last evaluated: 2025-12-30. Review status: criteria provided, single submitter. Criteria: Invitae Variant Classification Sherloc (09022015). Collection method: clinical testing. Allele origin: germline.

Blueprint Genetics
Classification: Likely benign. Last evaluated: 2024-06-11. Review status: criteria provided, single submitter. Criteria: ACMG Guidelines, 2015. Collection method: clinical testing. Allele origin: germline.

CeGaT Center for Human Genetics Tuebingen
Classification: Likely benign. Last evaluated: 2022-12-01. Review status: criteria provided, single submitter. Criteria: CeGaT Center For Human Genetics Tuebingen Variant Classification Criteria Version 2. Collection method: clinical testing. Allele origin: germline. Affected: yes. Observed: 1 variant allele.
Comment: CACNA1A: BP4, BP7, BS1

GeneDx
Classification: Benign. Last evaluated: 2020-01-20. Review status: criteria provided, single submitter. Criteria: GeneDx Variant Classification Process June 2021. Collection method: clinical testing. Allele origin: germline. Affected: yes.

PreventionGenetics, part of Exact Sciences
Classification: Likely benign for CACNA1A-related condition. Last evaluated: 2024-05-23. Review status: no assertion criteria provided. Collection method: clinical testing. Allele origin: germline. Not counted in ClinVar's aggregate classification.
Comment: This variant is classified as likely benign based on ACMG/AMP sequence variant interpretation guidelines (Richards et al. 2015 PMID: 25741868, with internal and published modifications).

NM_001127222.2(CACNA1A):c.4362C>T (p.Thr1454=)

Gene: CACNA1A (calcium voltage-gated channel subunit alpha1 A; minus strand). Cytogenetic location: 19p13.13.
Variant type: single nucleotide variant.
Coding change: c.4362C>T on transcript NM_001127222.2 (MANE Select); coding-DNA position 4362, C replaced by T.
Protein change: p.Thr1454=; no amino-acid change (threonine 1454 retained).
Molecular consequence: synonymous variant.
Genome position (GRCh38, 1-based): chr19:13,259,590, G>A on the plus strand (C>T on the coding strand, the complement: CACNA1A is on the minus strand). VCF-style: chr19-13259590-G-A. GRCh37 (hg19) VCF-style: chr19-13370404-G-A.
Other names: c.4362C>T (NM_001127222.1); c.4374C>T, p.Thr1458= (NM_000068.4, NM_023035.3); c.4365C>T, p.Thr1455= (NM_001127221.2, NM_001174080.2).
Identifiers: ClinVar variation 714459 (VCV000714459.39), dbSNP rs190264873, ClinGen allele CA9240029.